The following is an entry in ClinVar:

NM_000059.4(BRCA2):c.8323dup (p.Met2775fs)

Gene: BRCA2 (BRCA2 DNA repair associated; plus strand). Cytogenetic location: 13q13.1.
Variant type: Duplication.
Coding change: c.8323dup on transcript NM_000059.4 (MANE Select); coding-DNA position 8323, one base duplicated (A; older notation c.8323dupA).
Protein change: p.Met2775fs; shifts the reading frame from methionine 2775.
Molecular consequence: frameshift variant.
Genome position (GRCh38, 1-based): chr13:32,363,525, A duplicated. VCF-style (leftmost placement, unchanged base first): chr13-32363524-T-TA. GRCh37 (hg19) VCF-style: chr13-32937661-T-TA.
Other names: 8551insA; c.8323dupA (NM_000059.3); short protein forms M2775fs.
Identifiers: ClinVar variation 126174 (VCV000126174.38), dbSNP rs276174904, ClinGen allele CA025571.

ClinVar aggregate classification (germline): Pathogenic. Review status: reviewed by expert panel (3 of 4 stars). 12 submissions from 11 submitters: Pathogenic (1). 11 of the submissions do not count toward it. Last evaluated 2016-09-08.

Conditions:
Hereditary cancer-predisposing syndrome. Also called: Tumor predisposition; Hereditary neoplastic syndrome; Hereditary Cancer Syndrome; Neoplastic Syndromes, Hereditary. Identifiers: Orphanet 140162, MedGen C0027672, MeSH D009386, MONDO:0015356.
Hereditary breast ovarian cancer syndrome. Also called: Hereditary breast and/or ovarian cancer syndrome; Breast and ovarian cancer; Hereditary breast and ovarian cancer syndrome; Hereditary breast and ovarian cancer; Hereditary breast and ovarian cancer syndrome (HBOC); BRCA1- and BRCA2-Associated Hereditary Breast and Ovarian Cancer. Identifiers: Orphanet 145, MedGen C0677776, MeSH D061325, MONDO:0003582. Disease mechanism: loss of function.
Familial cancer of breast. Also called: Hereditary breast cancer; hereditary breast carcinoma; BREAST CANCER, FAMILIAL. Identifiers: Orphanet 227535, MedGen C0346153, MONDO:0016419, OMIM 114480. Disease mechanism: loss of function.
Breast-ovarian cancer, familial, susceptibility to, 2 (BROVCA2). Also called: BRCA2 Hereditary Breast and Ovarian Cancer. Identifiers: Orphanet 145, MedGen C2675520, MONDO:0012933, OMIM 612555. Disease mechanism: loss of function.
Breast-ovarian cancer, familial, susceptibility to, 1 (BROVCA1). Also called: BRCA1 Hereditary Breast and Ovarian Cancer; OVARIAN CANCER, SUSCEPTIBILITY TO. Identifiers: Orphanet 145, MedGen C2676676, MONDO:0011450, OMIM 604370. Disease mechanism: loss of function.

Submissions (12):

Evidence-based Network for the Interpretation of Germline Mutant Alleles (ENIGMA)
Classification: Pathogenic for Breast-ovarian cancer, familial, susceptibility to, 2. Last evaluated: 2016-09-08. Review status: reviewed by expert panel. Criteria: ENIGMA BRCA1/2 Classification Criteria (2015). Collection method: curation. Allele origin: germline.
Comment: Variant allele predicted to encode a truncated non-functional protein.

Institute of Human Genetics, University of Leipzig Medical Center
Classification: Pathogenic for Breast-ovarian cancer, familial, susceptibility to, 2. Last evaluated: 2026-04-13. Review status: criteria provided, single submitter. Criteria: ACMG Guidelines, 2015. Collection method: clinical testing. Allele origin: unknown. Inheritance: Autosomal dominant inheritance. Affected: yes. Not counted in ClinVar's aggregate classification.
Comment: Criteria applied: PVS1,PM5_STR,PM2_SUP

Ambry Genetics
Classification: Pathogenic for Hereditary cancer-predisposing syndrome. Last evaluated: 2025-08-19. Review status: criteria provided, single submitter. Criteria: Ambry Variant Classification Scheme 2023. Collection method: clinical testing. Allele origin: germline. Not counted in ClinVar's aggregate classification.
Comment: The c.8323dupA pathogenic mutation, located in coding exon 17 of the BRCA2 gene, results from a duplication of A at nucleotide position 8323, causing a translational frameshift with a predicted alternate stop codon (p.M2775Nfs*7). This variant is considered to be rare based on population cohorts in the Genome Aggregation Database (gnomAD). This alteration is expected to result in loss of function by premature protein truncation or nonsense-mediated mRNA decay. As such, this alteration is interpreted as a disease-causing mutation.

Institute of Immunology and Genetics Kaiserslautern
Classification: Pathogenic for Breast-ovarian cancer, familial, susceptibility to, 1. Last evaluated: 2025-07-31. Review status: criteria provided, single submitter. Criteria: ACMG Guidelines, 2015. Collection method: clinical testing. Allele origin: germline. Affected: yes. Not counted in ClinVar's aggregate classification.
Comment: ACMG Criteria: PVS1, PM2, PP5_M.

Institute of Human Genetics, University of Leipzig Medical Center
Classification: Pathogenic for Familial cancer of breast. Last evaluated: 2024-11-29. Review status: criteria provided, single submitter. Criteria: ACMG Guidelines, 2015. Collection method: clinical testing. Allele origin: paternal. Inheritance: Autosomal dominant inheritance. Affected: yes. Not counted in ClinVar's aggregate classification.
Comment: the same text as in the submission from Institute of Human Genetics, University of Leipzig Medical Center above.

GeneDx
Classification: Pathogenic. Last evaluated: 2023-04-27. Review status: criteria provided, single submitter. Criteria: GeneDx Variant Classification Process June 2021. Collection method: clinical testing. Allele origin: germline. Affected: yes. Not counted in ClinVar's aggregate classification.
Comment: Frameshift variant predicted to result in protein truncation or nonsense mediated decay in a gene for which loss-of-function is a known mechanism of disease; Truncating variants in this gene are considered pathogenic by a well-established clinical consortium and/or database; Not observed in large population cohorts (gnomAD); Observed in individuals with a personal and/or family history consistent with pathogenic variants in this gene (Heramb et al., 2018); Also known as 8551dupA; This variant is associated with the following publications: (PMID: 29339979, 27974384, 20104584, 31723001)

Clinical Genetics and Genomics, Karolinska University Hospital
Classification: Pathogenic. Last evaluated: 2018-02-12. Review status: criteria provided, single submitter. Criteria: ACMG Guidelines, 2015. Collection method: clinical testing. Allele origin: germline. Affected: yes. Observed: 2 variant alleles. Not counted in ClinVar's aggregate classification.

Consortium of Investigators of Modifiers of BRCA1/2 (CIMBA), c/o University of Cambridge
Classification: Pathogenic for Breast-ovarian cancer, familial, susceptibility to, 2. Last evaluated: 2015-10-02. Review status: criteria provided, single submitter. Criteria: CIMBA Mutation Classification guidelines May 2016. Collection method: clinical testing. Allele origin: germline. Not counted in ClinVar's aggregate classification.

Department of Medical Genetics, Oslo University Hospital
Classification: Pathogenic for Breast-ovarian cancer, familial, susceptibility to, 2. Last evaluated: 2015-07-01. Review status: criteria provided, single submitter. Criteria: ACMG Guidelines, 2015. Collection method: clinical testing. Allele origin: germline. Affected: yes. Observed: 10 variant alleles. Not counted in ClinVar's aggregate classification.

BRCAlab, Lund University
Classification: Pathogenic for Breast-ovarian cancer, familial, susceptibility to, 2. Last evaluated: 2022-08-26. Review status: no assertion criteria provided. Collection method: clinical testing. Allele origin: germline. Affected: yes. Not counted in ClinVar's aggregate classification.

Research Molecular Genetics Laboratory, Women's College Hospital, University of Toronto
Classification: Pathogenic for Hereditary breast ovarian cancer syndrome. Last evaluated: 2014-01-31. Review status: no assertion criteria provided. Collection method: research. Allele origin: germline. Affected: yes. Study: The Canadian Open Genetics Repository (COGR). Not counted in ClinVar's aggregate classification.

Breast Cancer Information Core (BIC) (BRCA2)
Classification: Pathogenic for Breast-ovarian cancer, familial 2. Last evaluated: 2009-09-24. Review status: no assertion criteria provided. Collection method: clinical testing. Allele origin: germline. Affected: yes. Observed: 1 variant allele. Not counted in ClinVar's aggregate classification.

Literature cited by the submitters: PubMed 29339979 (cited by Ambry Genetics).